The following is an entry in ClinVar:

NM_152419.3(HGSNAT):c.1139del (p.Cys380fs)

Gene: HGSNAT (heparan-alpha-glucosaminide N-acetyltransferase; plus strand). Cytogenetic location: 8p11.21.
Variant type: Deletion.
Coding change: c.1139del on transcript NM_152419.3 (MANE Select); coding-DNA position 1139, one base deleted (G; older notation c.1139delG).
Protein change: p.Cys380fs; shifts the reading frame from cysteine 380.
Molecular consequence: frameshift variant.
Genome position (GRCh38, 1-based): chr8:43,191,484, G deleted. VCF-style (leftmost placement, unchanged base first): chr8-43191483-TG-T. GRCh37 (hg19) VCF-style: chr8-43046626-TG-T.
Other names: c.1139del, p.Cys380fs (NM_001363227.2); c.947del, p.Cys316fs (NM_001363228.2); c.275del, p.Cys92fs (NM_001363229.2); short protein forms C316fs, C380fs, C92fs.
Identifiers: ClinVar variation 1992944 (VCV001992944.4), dbSNP rs2487083005, ClinGen allele CA2579159290.

ClinVar aggregate classification (germline): Pathogenic (1 of 4 stars; one submission).

Conditions:
Retinitis pigmentosa 73 (RP73). Identifiers: Orphanet 791, MedGen C4225287, MONDO:0014687, OMIM 616544.
Mucopolysaccharidosis, MPS-III-C (MPS3C). Also called: SANFILIPPO SYNDROME C; MPS III C; Mucopolysaccharidosis type IIIC (Sanfilippo C); MUCOPOLYSACCHARIDOSIS, TYPE IIIC; mucopolysaccharidosis type 3C; MPS IIIC (Sanfilippo Syndrome Type C). Identifiers: Orphanet 581, Orphanet 79271, MedGen C0086649, MONDO:0009657, OMIM 252930.

Submission:

Labcorp Genetics (formerly Invitae), Labcorp
Classification: Pathogenic for Retinitis pigmentosa 73; Mucopolysaccharidosis, MPS-III-C. Last evaluated: 2022-05-17. Review status: criteria provided, single submitter. Criteria: Invitae Variant Classification Sherloc (09022015). Collection method: clinical testing. Allele origin: germline.
Comment: For these reasons, this variant has been classified as Pathogenic. This variant has not been reported in the literature in individuals affected with HGSNAT-related conditions. This variant is not present in population databases (gnomAD no frequency). This sequence change creates a premature translational stop signal (p.Cys380Serfs*27) in the HGSNAT gene. It is expected to result in an absent or disrupted protein product. Loss-of-function variants in HGSNAT are known to be pathogenic (PMID: 17033958, 19479962).

Literature cited by the submitters: PubMed 17033958; PubMed 19479962.